The following is an entry in ClinVar:

ClinVar aggregate classification (germline): Uncertain significance (1 of 4 stars; one submission).

gnomAD v4.1: 57 of 1,613,792 alleles (0.0035%); highest among the groups gnomAD compares: African/African-American, 0.008%; no homozygotes.

Submission:

Labcorp Genetics (formerly Invitae), Labcorp
Classification: Uncertain significance. Last evaluated: 2024-11-27. Review status: criteria provided, single submitter. Criteria: Invitae Variant Classification Sherloc (09022015). Collection method: clinical testing. Allele origin: germline.
Comment: This sequence change replaces tyrosine, which is neutral and polar, with cysteine, which is neutral and slightly polar, at codon 1467 of the FREM1 protein (p.Tyr1467Cys). This variant is present in population databases (rs751286950, gnomAD 0.01%). This variant has not been reported in the literature in individuals affected with FREM1-related conditions. Invitae Evidence Modeling of protein sequence and biophysical properties (such as structural, functional, and spatial information, amino acid conservation, physicochemical variation, residue mobility, and thermodynamic stability) indicates that this missense variant is expected to disrupt FREM1 protein function with a positive predictive value of 80%. In summary, the available evidence is currently insufficient to determine the role of this variant in disease. Therefore, it has been classified as a Variant of Uncertain Significance.

NM_001379081.2(FREM1):c.4400A>G (p.Tyr1467Cys)

Gene: FREM1 (FRAS1 related extracellular matrix 1; minus strand). Cytogenetic location: 9p22.3.
Variant type: single nucleotide variant.
Coding change: c.4400A>G on transcript NM_001379081.2 (MANE Select); coding-DNA position 4400, A replaced by G.
Protein change: p.Tyr1467Cys; replaces tyrosine 1467 with cysteine.
Molecular consequence: missense variant. On other transcripts: non-coding transcript variant (1).
Genome position (GRCh38, 1-based): chr9:14,784,412, T>C on the plus strand (A>G on the coding strand, the complement: FREM1 is on the minus strand). VCF-style: chr9-14784412-T-C. GRCh37 (hg19) VCF-style: chr9-14784410-T-C.
Other names: c.4400A>G, p.Tyr1467Cys (NM_144966.7); short protein forms Y1467C.
Identifiers: ClinVar variation 3671043 (VCV003671043.2).